The following is an entry in ClinVar:

NM_022489.4(INF2):c.*553T>C

Gene: INF2 (inverted formin 2; plus strand). Cytogenetic location: 14q32.33.
Variant type: single nucleotide variant.
Coding change: c.*553T>C on transcript NM_022489.4 (MANE Select); 553 bases downstream of the stop codon, T replaced by C.
Molecular consequence: 3 prime UTR variant.
Genome position (GRCh38, 1-based): chr14:104,719,346, T>C. VCF-style: chr14-104719346-T-C. GRCh37 (hg19) VCF-style: chr14-105185683-T-C.
Other names: c.*523T>C (NM_001031714.4).
Identifiers: ClinVar variation 881623 (VCV000881623.5), dbSNP rs115685078, ClinGen allele CA267333259.

ClinVar aggregate classification (germline): Benign. Review status: criteria provided, multiple submitters, no conflicts (2 of 4 stars). 2 submissions from 2 submitters: Benign (2). Last evaluated 2018-01-13.

Conditions:
Focal segmental glomerulosclerosis 5 (FSGS5). Identifiers: Orphanet 656, MedGen C2750475, MONDO:0013191, OMIM 613237.

Allele frequency attached by ClinVar (database versions not stated): gnomAD exomes 0.00138; 1000 Genomes Project 0.01398; 1000 Genomes Project 30x 0.01405; gnomAD 0.01567 and 0.01713; TOPMed 0.01766.
gnomAD v4.1: 2,358 of 153,732 alleles (1.5%); highest among the groups gnomAD compares: African/African-American, 5.4%; 49 homozygotes.

Submissions (2):

Illumina Laboratory Services, Illumina
Classification: Benign for Focal segmental glomerulosclerosis 5. Last evaluated: 2018-01-13. Review status: criteria provided, single submitter. Criteria: ICSL Variant Classification Criteria 13 December 2019. Collection method: clinical testing. Allele origin: germline.
Comment: This variant was observed in the ICSL laboratory as part of a predisposition screen in an ostensibly healthy population. It had not been previously curated by ICSL or reported in the Human Gene Mutation Database (HGMD: prior to June 1st, 2018), and was therefore a candidate for classification through an automated scoring system. Utilizing variant allele frequency, disease prevalence and penetrance estimates, and inheritance mode, an automated score was calculated to assess if this variant is too frequent to cause the disease. Based on the score and internal cut-off values, a variant classified as benign is not then subjected to further curation. The score for this variant resulted in a classification of benign for this disease.

Breakthrough Genomics
Classification: Benign. Review status: criteria provided, single submitter. Criteria: ACMG Guidelines, 2015. Collection method: not provided. Allele origin: germline. Inheritance: Autosomal dominant inheritance. Affected: yes.